The following is an entry in ClinVar:

ClinVar aggregate classification (germline): Likely benign. Review status: criteria provided, multiple submitters, no conflicts (2 of 4 stars). 2 submissions from 2 submitters: Likely benign (2). Last evaluated 2018-07-24.

Conditions:
Hereditary cancer-predisposing syndrome. Also called: Hereditary neoplastic syndrome; Hereditary Cancer Syndrome; Neoplastic Syndromes, Hereditary; Tumor predisposition. Identifiers: Orphanet 140162, MedGen C0027672, MeSH D009386, MONDO:0015356.

Allele frequency attached by ClinVar (database versions not stated): ExAC 0.00001; TOPMed 0.00002.

Submissions (2):

Color Diagnostics, LLC DBA Color Health
Classification: Likely benign for Hereditary cancer-predisposing syndrome. Last evaluated: 2018-07-24. Review status: criteria provided, single submitter. Criteria: ACMG Guidelines, 2015. Collection method: clinical testing. Allele origin: germline.

GeneDx
Classification: Likely benign. Last evaluated: 2016-07-19. Review status: criteria provided, single submitter. Criteria: GeneDx Variant Classification (06012015). Collection method: clinical testing. Allele origin: germline. Affected: yes.
Comment: This variant is considered likely benign or benign based on one or more of the following criteria: it is a conservative change, it occurs at a poorly conserved position in the protein, it is predicted to be benign by multiple in silico algorithms, and/or has population frequency not consistent with disease.

NM_000179.3(MSH6):c.-19G>C

Gene: MSH6 (mutS homolog 6; plus strand). Cytogenetic location: 2p16.3.
Variant type: single nucleotide variant.
Coding change: c.-19G>C on transcript NM_000179.3 (MANE Select); 19 bases upstream of the start codon, G replaced by C.
Molecular consequence: 5 prime UTR variant.
Genome position (GRCh38, 1-based): chr2:47,783,215, G>C. VCF-style: chr2-47783215-G-C. GRCh37 (hg19) VCF-style: chr2-48010354-G-C.
Other names: c.-19G>C (NM_001281492.2); c.-755G>C (NM_001281493.2).
Identifiers: ClinVar variation 378159 (VCV000378159.3), dbSNP rs761485894, ClinGen allele CA068341.
Genomic context (GRCh38, chr2:47,783,215, plus strand): 5'-CCAGCAGGAGCCGCGCGGTAGATGCGGTGCTTTTAGGAGCTCCGTCCGACAGAACGGTTG[G>C]GCCTTGCCGGCTGTCGGTATGTCGCGACAGAGCACCCTGTACAGCTTCTTCCCCAAGTCT-3'